The following is an entry in ClinVar:

ClinVar aggregate classification (germline): Pathogenic (1 of 4 stars; one submission).

Conditions:
Multiple congenital exostosis (EXT). Also called: Hereditary multiple exostoses; Hereditary multiple exostosis; MULTIPLE CARTILAGINOUS EXOSTOSES; Multiple exostoses; Multiple osteochondromas; Hereditary multiple osteochondromas. Identifiers: Orphanet 321, MedGen C0015306, MONDO:0005508, HP:0002762.

Submission:

Labcorp Genetics (formerly Invitae), Labcorp
Classification: Pathogenic for Multiple congenital exostosis. Last evaluated: 2024-03-27. Review status: criteria provided, single submitter. Criteria: Invitae Variant Classification Sherloc (09022015). Collection method: clinical testing. Allele origin: germline.
Comment: This sequence change creates a premature translational stop signal (p.Tyr119*) in the EXT1 gene. It is expected to result in an absent or disrupted protein product. Loss-of-function variants in EXT1 are known to be pathogenic (PMID: 10679937, 11391482, 19810120). This variant is not present in population databases (gnomAD no frequency). This premature translational stop signal has been observed in individual(s) with hereditary multiple osteochondromas (PMID: 16879194). For these reasons, this variant has been classified as Pathogenic.

Literature cited by the submitters: PubMed 10679937; PubMed 11391482; PubMed 19810120; PubMed 16879194.

NM_000127.3(EXT1):c.357C>G (p.Tyr119Ter)

Gene: EXT1 (exostosin glycosyltransferase 1; minus strand). Cytogenetic location: 8q24.11.
Variant type: single nucleotide variant.
Coding change: c.357C>G on transcript NM_000127.3 (MANE Select); coding-DNA position 357, C replaced by G.
Protein change: p.Tyr119Ter; replaces tyrosine 119 with a stop codon.
Molecular consequence: nonsense.
Genome position (GRCh38, 1-based): chr8:118,110,690, G>C on the plus strand (C>G on the coding strand, the complement: EXT1 is on the minus strand). VCF-style: chr8-118110690-G-C. GRCh37 (hg19) VCF-style: chr8-119122929-G-C.
Other names: short protein forms Y119*.
Identifiers: ClinVar variation 2735209 (VCV002735209.3), dbSNP rs119103289, ClinGen allele CA371916030.